The following is an entry in ClinVar:

ClinVar aggregate classification (germline): Uncertain significance. Review status: criteria provided, multiple submitters, no conflicts (2 of 4 stars). 2 submissions from 2 submitters: Uncertain significance (2). Last evaluated 2025-03-22.

Conditions:
Charcot-Marie-Tooth disease dominant intermediate B (CMTDIB). Also called: Charcot-Marie-Tooth disease dominant intermediate 1; CMT DI1; Charcot-Marie-Tooth disease dominant intermediate I; CHARCOT-MARIE-TOOTH NEUROPATHY, DOMINANT INTERMEDIATE B. Identifiers: Orphanet 100044, Orphanet 228179, MedGen C1847902, MONDO:0011674, OMIM 606482.

gnomAD v4.1: 3 of 1,614,086 alleles (0.00019%); highest among the groups gnomAD compares: Non-Finnish European, 0.00025%; no homozygotes.

Submissions (2):

Labcorp Genetics (formerly Invitae), Labcorp
Classification: Uncertain significance for Charcot-Marie-Tooth disease dominant intermediate B. Last evaluated: 2025-03-22. Review status: criteria provided, single submitter. Criteria: Invitae Variant Classification Sherloc (09022015). Collection method: clinical testing. Allele origin: germline.
Comment: This sequence change replaces valine, which is neutral and non-polar, with leucine, which is neutral and non-polar, at codon 143 of the DNM2 protein (p.Val143Leu). This variant is present in population databases (no rsID available, gnomAD 0.03%). This variant has not been reported in the literature in individuals affected with DNM2-related conditions. ClinVar contains an entry for this variant (Variation ID: 1475787). Invitae Evidence Modeling of protein sequence and biophysical properties (such as structural, functional, and spatial information, amino acid conservation, physicochemical variation, residue mobility, and thermodynamic stability) has been performed for this missense variant. However, the output from this modeling did not meet the statistical confidence thresholds required to predict the impact of this variant on DNM2 protein function. In summary, the available evidence is currently insufficient to determine the role of this variant in disease. Therefore, it has been classified as a Variant of Uncertain Significance.

Revvity Omics, Revvity
Classification: Uncertain significance. Last evaluated: 2021-08-07. Review status: criteria provided, single submitter. Criteria: ACMG Guidelines, 2015. Collection method: clinical testing. Allele origin: germline.

NM_001005361.3(DNM2):c.427G>C (p.Val143Leu)

Gene: DNM2 (dynamin 2; plus strand). Cytogenetic location: 19p13.2.
Variant type: single nucleotide variant.
Coding change: c.427G>C on transcript NM_001005361.3 (MANE Select); coding-DNA position 427, G replaced by C.
Protein change: p.Val143Leu; replaces valine 143 with leucine.
Molecular consequence: missense variant.
Genome position (GRCh38, 1-based): chr19:10,775,744, G>C. VCF-style: chr19-10775744-G-C. GRCh37 (hg19) VCF-style: chr19-10886420-G-C.
Other names: c.427G>C (NM_001005360.2); c.427G>C, p.Val143Leu (NM_001005360.3, NM_001005362.3, NM_001190716.2 and 1 more transcripts); short protein forms V143L.
Identifiers: ClinVar variation 1475787 (VCV001475787.11), dbSNP rs1366173686, ClinGen allele CA404042497.